The following is an entry in ClinVar:

ClinVar aggregate classification (germline): Likely benign. Review status: criteria provided, multiple submitters, no conflicts (2 of 4 stars). 4 submissions from 4 submitters: Likely benign (4). Last evaluated 2025-12-17.

Conditions:
RYR1-related disorder. Also called: RYR1-related condition; RYR1-related disorders. Identifiers: MedGen CN239331.
Malignant hyperthermia, susceptibility to, 1 (MHS1). Also called: Anesthesia related hyperthermia; Malignant hyperpyrexia; Fulminating hyperpyrexia; Pharmacogenic myopathy; RYR1-Related Malignant Hyperthermia Susceptibility; Malignant hyperthermia suceptibility 1. Identifiers: Orphanet 423, MedGen C2930980, MONDO:0007783, OMIM 145600.

Allele frequency attached by ClinVar (database versions not stated): TOPMed 0.00009; gnomAD 0.00012 and 0.00014.
gnomAD v4.1: 66 of 1,614,084 alleles (0.0041%); highest among the groups gnomAD compares: African/African-American, 0.033%; no homozygotes.

Submissions (4):

Labcorp Genetics (formerly Invitae), Labcorp
Classification: Likely benign for RYR1-related disorder. Last evaluated: 2025-12-17. Review status: criteria provided, single submitter. Criteria: Invitae Variant Classification Sherloc (09022015). Collection method: clinical testing. Allele origin: germline.

Color Diagnostics, LLC DBA Color Health
Classification: Likely benign for Malignant hyperthermia, susceptibility to, 1. Last evaluated: 2022-12-07. Review status: criteria provided, single submitter. Criteria: ACMG Guidelines, 2015. Collection method: clinical testing. Allele origin: germline.

Blueprint Genetics
Classification: Likely benign. Last evaluated: 2021-02-24. Review status: criteria provided, single submitter. Criteria: ACMG Guidelines, 2015. Collection method: clinical testing. Allele origin: germline.

GeneDx
Classification: Likely benign. Last evaluated: 2017-12-01. Review status: criteria provided, single submitter. Criteria: GeneDx Variant Classification (06012015). Collection method: clinical testing. Allele origin: germline. Affected: yes.
Comment: This variant is considered likely benign or benign based on one or more of the following criteria: it is a conservative change, it occurs at a poorly conserved position in the protein, it is predicted to be benign by multiple in silico algorithms, and/or has population frequency not consistent with disease.

NM_000540.3(RYR1):c.9090C>T (p.His3030=)

Gene: RYR1 (ryanodine receptor 1; plus strand). Cytogenetic location: 19q13.2.
Variant type: single nucleotide variant.
Coding change: c.9090C>T on transcript NM_000540.3 (MANE Select); coding-DNA position 9090, C replaced by T.
Protein change: p.His3030=; no amino-acid change (histidine 3030 retained).
Molecular consequence: synonymous variant.
Genome position (GRCh38, 1-based): chr19:38,510,749, C>T. VCF-style: chr19-38510749-C-T. GRCh37 (hg19) VCF-style: chr19-39001389-C-T.
Other names: c.9090C>T, p.His3030= (NM_001042723.2).
Identifiers: ClinVar variation 390667 (VCV000390667.12), dbSNP rs767704607, ClinGen allele CA073131.